The following is an entry in ClinVar:

ClinVar aggregate classification (germline): Uncertain significance. Review status: criteria provided, multiple submitters, no conflicts (2 of 4 stars). 2 submissions from 2 submitters: Uncertain significance (2). Last evaluated 2025-10-09.

Conditions:
SLX4-related disorder. Also called: SLX4-related condition.
Fanconi anemia (FA). Also called: Fanconi's anemia. Identifiers: Orphanet 84, MedGen C0015625, MeSH D005199, MONDO:0019391.

Allele frequency attached by ClinVar (database versions not stated): gnomAD 0.00002; TOPMed 0.00002.
gnomAD v4.1: 166 of 1,613,014 alleles (0.01%); highest among the groups gnomAD compares: Non-Finnish European, 0.013%; no homozygotes.

Submissions (2):

Labcorp Genetics (formerly Invitae), Labcorp
Classification: Uncertain significance for Fanconi anemia. Last evaluated: 2025-10-09. Review status: criteria provided, single submitter. Criteria: Invitae Variant Classification Sherloc (09022015). Collection method: clinical testing. Allele origin: germline.
Comment: This sequence change replaces proline, which is neutral and non-polar, with alanine, which is neutral and non-polar, at codon 1624 of the SLX4 protein (p.Pro1624Ala). This variant is present in population databases (rs759305861, gnomAD 0.02%). This variant has not been reported in the literature in individuals affected with SLX4-related conditions. ClinVar contains an entry for this variant (Variation ID: 1502940). An algorithm developed to predict the effect of missense changes on protein structure and function (PolyPhen-2) suggests that this variant is likely to be tolerated. In summary, the available evidence is currently insufficient to determine the role of this variant in disease. Therefore, it has been classified as a Variant of Uncertain Significance.

PreventionGenetics, part of Exact Sciences
Classification: Uncertain significance for SLX4-related condition. Last evaluated: 2025-01-28. Review status: criteria provided, single submitter. Criteria: ACMG Guidelines, 2015. Collection method: clinical testing. Allele origin: germline.
Comment: The SLX4 c.4870C>G variant is predicted to result in the amino acid substitution p.Pro1624Ala. To our knowledge, this variant has not been reported in the literature. This variant is reported in 0.017% of alleles in individuals of European (Non-Finnish) descent in gnomAD. At this time, the clinical significance of this variant is uncertain due to the absence of conclusive functional and genetic evidence.

NM_032444.4(SLX4):c.4870C>G (p.Pro1624Ala)

Gene: SLX4 (SLX4 structure-specific endonuclease subunit; minus strand). Cytogenetic location: 16p13.3.
Variant type: single nucleotide variant.
Coding change: c.4870C>G on transcript NM_032444.4 (MANE Select); coding-DNA position 4870, C replaced by G.
Protein change: p.Pro1624Ala; replaces proline 1624 with alanine.
Molecular consequence: missense variant.
Genome position (GRCh38, 1-based): chr16:3,583,380, G>C on the plus strand (C>G on the coding strand, the complement: SLX4 is on the minus strand). VCF-style: chr16-3583380-G-C. GRCh37 (hg19) VCF-style: chr16-3633381-G-C.
Other names: c.4870C>G (NM_032444.3); short protein forms P1624A.
Identifiers: ClinVar variation 1502940 (VCV001502940.9), dbSNP rs759305861, ClinGen allele CA7865484.